The following is an entry in ClinVar:

NM_172364.5(CACNA2D4):c.*1597G>C

Gene: CACNA2D4 (calcium voltage-gated channel auxiliary subunit alpha2delta 4; minus strand). Cytogenetic location: 12p13.33.
Variant type: single nucleotide variant.
Coding change: c.*1597G>C on transcript NM_172364.5 (MANE Select); 1597 bases downstream of the stop codon, G replaced by C.
Molecular consequence: 3 prime UTR variant.
Genome position (GRCh38, 1-based): chr12:1,792,058, C>G on the plus strand (G>C on the coding strand, the complement: CACNA2D4 is on the minus strand). VCF-style: chr12-1792058-C-G. GRCh37 (hg19) VCF-style: chr12-1901224-C-G.
Identifiers: ClinVar variation 307796 (VCV000307796.5), dbSNP rs115232565, ClinGen allele CA10641462.

ClinVar aggregate classification (germline): Likely benign (1 of 4 stars; one submission).

Conditions:
Retinal cone dystrophy 4 (RCD4). Identifiers: Orphanet 1872, MedGen C1864849, MONDO:0012507, OMIM 610478.

Allele frequency attached by ClinVar (database versions not stated): gnomAD 0.00225 and 0.00237; TOPMed 0.00259; 1000 Genomes Project 0.00399; 1000 Genomes Project 30x 0.00453.

Submission:

Illumina Laboratory Services, Illumina
Classification: Likely benign for Retinal cone dystrophy 4. Last evaluated: 2018-01-12. Review status: criteria provided, single submitter. Criteria: ICSL Variant Classification Criteria 13 December 2019. Collection method: clinical testing. Allele origin: germline.
Comment: This variant was observed in the ICSL laboratory as part of a predisposition screen in an ostensibly healthy population. It had not been previously curated by ICSL or reported in the Human Gene Mutation Database (HGMD: prior to June 1st, 2018), and was therefore a candidate for classification through an automated scoring system. Utilizing variant allele frequency, disease prevalence and penetrance estimates, and inheritance mode, an automated score was calculated to assess if this variant is too frequent to cause the disease. Based on the score and internal cut-off values, a variant classified as likely benign is not then subjected to further curation. The score for this variant resulted in a classification of likely benign for this disease.